The following is an entry in ClinVar:

NM_004260.4(RECQL4):c.590A>C (p.Glu197Ala)

Gene: RECQL4 (RecQ like helicase 4; minus strand). Cytogenetic location: 8q24.3.
Variant type: single nucleotide variant.
Coding change: c.590A>C on transcript NM_004260.4 (MANE Select); coding-DNA position 590, A replaced by C.
Protein change: p.Glu197Ala; replaces glutamic acid 197 with alanine.
Molecular consequence: missense variant.
Genome position (GRCh38, 1-based): chr8:144,516,529, T>G on the plus strand (A>C on the coding strand, the complement: RECQL4 is on the minus strand). VCF-style: chr8-144516529-T-G. GRCh37 (hg19) VCF-style: chr8-145741913-T-G.
Other names: c.590A>C (NM_004260.3); short protein forms E197A.
Identifiers: ClinVar variation 1055263 (VCV001055263.6), dbSNP rs768304412, ClinGen allele CA4949244.

ClinVar aggregate classification (germline): Uncertain significance. Review status: criteria provided, multiple submitters, no conflicts (2 of 4 stars). 2 submissions from 2 submitters: Uncertain significance (2). Last evaluated 2024-12-15.

Conditions:
Inborn genetic diseases. Identifiers: MedGen C0950123, MeSH D030342.
Baller-Gerold syndrome (BGS). Also called: CRANIOSYNOSTOSIS WITH RADIAL DEFECTS. Identifiers: Orphanet 1225, MedGen C0265308, MONDO:0009039, OMIM 218600.

Allele frequency attached by ClinVar (database versions not stated): TOPMed below 0.00001; ExAC 0.00001; gnomAD exomes 0.00001.
gnomAD v4.1: 3 of 1,609,918 alleles (0.00019%); highest among the groups gnomAD compares: Admixed American, 0.005%; no homozygotes.

Submissions (2):

Ambry Genetics
Classification: Uncertain significance for Inborn genetic diseases. Last evaluated: 2024-12-15. Review status: criteria provided, single submitter. Criteria: Ambry Variant Classification Scheme 2023. Collection method: clinical testing. Allele origin: germline.
Comment: The p.E197A variant (also known as c.590A>C), located in coding exon 5 of the RECQL4 gene, results from an A to C substitution at nucleotide position 590. The glutamic acid at codon 197 is replaced by alanine, an amino acid with dissimilar properties. This amino acid position is conserved. In addition, this alteration is predicted to be tolerated by in silico analysis. Based on the available evidence, the clinical significance of this variant remains unclear.

Labcorp Genetics (formerly Invitae), Labcorp
Classification: Uncertain significance for Baller-Gerold syndrome. Last evaluated: 2022-11-03. Review status: criteria provided, single submitter. Criteria: Invitae Variant Classification Sherloc (09022015). Collection method: clinical testing. Allele origin: germline.
Comment: This sequence change replaces glutamic acid, which is acidic and polar, with alanine, which is neutral and non-polar, at codon 197 of the RECQL4 protein (p.Glu197Ala). In summary, the available evidence is currently insufficient to determine the role of this variant in disease. Therefore, it has been classified as a Variant of Uncertain Significance. Advanced modeling of protein sequence and biophysical properties (such as structural, functional, and spatial information, amino acid conservation, physicochemical variation, residue mobility, and thermodynamic stability) performed at Invitae indicates that this missense variant is not expected to disrupt RECQL4 protein function. ClinVar contains an entry for this variant (Variation ID: 1055263). This variant has not been reported in the literature in individuals affected with RECQL4-related conditions. This variant is present in population databases (rs768304412, gnomAD 0.009%).